The following is an entry in ClinVar:

ClinVar aggregate classification (germline): Uncertain significance. Review status: criteria provided, multiple submitters, no conflicts (2 of 4 stars). 7 submissions from 7 submitters: Uncertain significance (7). Last evaluated 2026-06-17.

Conditions:
MYBPC3-related disorder. Also called: MYBPC3-related condition; MYBPC3-related disease; MYBPC3-related disorders.
Hypertrophic cardiomyopathy. Also called: HYPERTROPHIC MYOCARDIOPATHY. Identifiers: Orphanet 217569, MedGen C0007194, MeSH D002312, MONDO:0005045, HP:0001639.
Cardiomyopathy (CMYO). Also called: Cardiomyopathies. Identifiers: Orphanet 167848, MedGen C0878544, MONDO:0004994, HP:0001638. Inheritance: Various modes of inheritance.
Cardiovascular phenotype. Identifiers: MedGen CN230736.

Allele frequency attached by ClinVar (database versions not stated): TOPMed 0.00001.
gnomAD v4.1: 3 of 1,595,220 alleles (0.00019%); highest among the groups gnomAD compares: South Asian, 0.0011%; no homozygotes.

Submissions (7):

PreventionGenetics, part of Exact Sciences
Classification: Uncertain significance for MYBPC3-related condition. Last evaluated: 2026-06-17. Review status: criteria provided, single submitter. Criteria: ACMG Guidelines, 2015. Collection method: clinical testing. Allele origin: germline.
Comment: The MYBPC3 c.1864G>A variant is predicted to result in the amino acid substitution p.Ala622Thr. To our knowledge, this variant has not been reported in the literature or in a large population database (gnomAD), indicating this variant is rare. At this time, the clinical significance of this variant is uncertain due to the absence of conclusive functional and genetic evidence.

Ambry Genetics
Classification: Uncertain significance for Cardiovascular phenotype. Last evaluated: 2026-01-24. Review status: criteria provided, single submitter. Criteria: Ambry Variant Classification Scheme 2023. Collection method: clinical testing. Allele origin: germline.
Comment: The p.A622T variant (also known as c.1864G>A), located in coding exon 19 of the MYBPC3 gene, results from a G to A substitution at nucleotide position 1864. The alanine at codon 622 is replaced by threonine, an amino acid with similar properties. This amino acid position is conserved. In addition, the in silico prediction for this alteration is inconclusive. Based on the available evidence, the clinical significance of this variant remains unclear.

Labcorp Genetics (formerly Invitae), Labcorp
Classification: Uncertain significance for Hypertrophic cardiomyopathy. Last evaluated: 2025-12-13. Review status: criteria provided, single submitter. Criteria: Invitae Variant Classification Sherloc (09022015). Collection method: clinical testing. Allele origin: germline.
Comment: This sequence change replaces alanine, which is neutral and non-polar, with threonine, which is neutral and polar, at codon 622 of the MYBPC3 protein (p.Ala622Thr). This variant is not present in population databases (gnomAD no frequency). This variant has not been reported in the literature in individuals affected with MYBPC3-related conditions. ClinVar contains an entry for this variant (Variation ID: 524998). An algorithm developed to predict the effect of missense changes on protein structure and function (PolyPhen-2) suggests that this variant is likely to be disruptive. In summary, the available evidence is currently insufficient to determine the role of this variant in disease. Therefore, it has been classified as a Variant of Uncertain Significance.

Molecular Diagnostic Laboratory for Inherited Cardiovascular Disease, Montreal Heart Institute
Classification: Uncertain significance for Cardiovascular phenotype. Last evaluated: 2025-04-09. Review status: criteria provided, single submitter. Criteria: ACMG Guidelines, 2015. Collection method: clinical testing. Allele origin: germline. Affected: yes.

Color Diagnostics, LLC DBA Color Health
Classification: Uncertain significance for Cardiomyopathy. Last evaluated: 2024-03-06. Review status: criteria provided, single submitter. Criteria: ACMG Guidelines, 2015. Collection method: clinical testing. Allele origin: germline.
Comment: This missense variant replaces alanine with threonine at codon 622 of the MYBPC3 protein. Computational prediction is inconclusive regarding the impact of this variant on protein structure and function (internally defined REVEL score threshold 0.5 < inconclusive < 0.7, PMID: 27666373). To our knowledge, functional studies have not been reported for this variant. This variant has not been reported in individuals affected with MYBPC3-related disorders in the literature. This variant has not been identified in the general population by the Genome Aggregation Database (gnomAD). The available evidence is insufficient to determine the role of this variant in disease conclusively. Therefore, this variant is classified as a Variant of Uncertain Significance.

All of Us Research Program, National Institutes of Health
Classification: Uncertain significance for Hypertrophic cardiomyopathy. Last evaluated: 2023-12-01. Review status: criteria provided, single submitter. Criteria: ACMG Guidelines, 2015. Collection method: clinical testing. Allele origin: germline. Inheritance: Autosomal dominant inheritance. Observed: 1 variant allele, 1 heterozygote.
Comment: This study involves interpretation of variants in research participants for the purpose of population health screening. Participant phenotype was not available at the time of variant classification. Additional details can be found in publication PMID: 35346344, PMCID: PMC8962531

CHEO Genetics Diagnostic Laboratory, Children's Hospital of Eastern Ontario
Classification: Uncertain significance for Cardiomyopathy. Last evaluated: 2022-11-30. Review status: criteria provided, single submitter. Criteria: ACMG Guidelines, 2015. Collection method: clinical testing. Allele origin: germline.

NM_000256.3(MYBPC3):c.1864G>A (p.Ala622Thr)

Gene: MYBPC3 (myosin binding protein C3; minus strand). Cytogenetic location: 11p11.2.
Variant type: single nucleotide variant.
Coding change: c.1864G>A on transcript NM_000256.3 (MANE Select); coding-DNA position 1864, G replaced by A.
Protein change: p.Ala622Thr; replaces alanine 622 with threonine.
Molecular consequence: missense variant.
Genome position (GRCh38, 1-based): chr11:47,341,171, C>T on the plus strand (G>A on the coding strand, the complement: MYBPC3 is on the minus strand). VCF-style: chr11-47341171-C-T. GRCh37 (hg19) VCF-style: chr11-47362722-C-T.
Other names: c.1864G>A, p.Ala622Thr (LRG_386t1); short protein forms A622T.
Identifiers: ClinVar variation 524998 (VCV000524998.13), dbSNP rs1489679460, ClinGen allele CA380323774.